The following is an entry in ClinVar:

ClinVar aggregate classification (germline): Likely benign (1 of 4 stars; one submission).

gnomAD v4.1: 51 of 1,612,844 alleles (0.0032%); highest among the groups gnomAD compares: African/African-American, 0.035%; no homozygotes.

Submission:

CeGaT Center for Human Genetics Tuebingen
Classification: Likely benign. Last evaluated: 2026-09-01. Review status: criteria provided, single submitter. Criteria: CeGaT Center For Human Genetics Tuebingen Variant Classification Criteria Version 2. Collection method: clinical testing. Allele origin: germline. Affected: yes. Observed: 1 variant allele.
Comment: COL6A2: BP4

NM_058174.3(COL6A2):c.2482G>A (p.Glu828Lys)

Gene: COL6A2 (collagen type VI alpha 2 chain; plus strand). Cytogenetic location: 21q22.3.
Variant type: single nucleotide variant.
Coding change: c.2482G>A on transcript NM_058174.3 (MANE Plus Clinical); coding-DNA position 2482, G replaced by A.
Protein change: p.Glu828Lys; replaces glutamic acid 828 with lysine.
Molecular consequence: missense variant. On other transcripts: 3 prime UTR variant (1), intron variant (1).
Genome position (GRCh38, 1-based): chr21:46,129,216, G>A. VCF-style: chr21-46129216-G-A. GRCh37 (hg19) VCF-style: chr21-47549130-G-A.
Other names: c.*288G>A (NM_058175.3); c.2461+2675G>A (NM_001849.4); short protein forms E828K.
Identifiers: ClinVar variation 5040879 (VCV005040879.1).